The following is an entry in ClinVar:

NM_205768.3(ZBTB18):c.619G>T (p.Gly207Cys)

Gene: ZBTB18 (zinc finger and BTB domain containing 18; plus strand). Cytogenetic location: 1q44.
Variant type: single nucleotide variant.
Coding change: c.619G>T on transcript NM_205768.3 (MANE Select); coding-DNA position 619, G replaced by T.
Protein change: p.Gly207Cys; replaces glycine 207 with cysteine.
Molecular consequence: missense variant.
Genome position (GRCh38, 1-based): chr1:244,054,393, G>T. VCF-style: chr1-244054393-G-T. GRCh37 (hg19) VCF-style: chr1-244217695-G-T.
Other names: c.592G>T, p.Gly198Cys (NM_001278196.2, NM_006352.5); c.619G>T, p.Gly207Cys (NM_001421566.1); short protein forms G198C, G207C.
Identifiers: ClinVar variation 4885251 (VCV004885251.2).
Genomic context (GRCh38, chr1:244,054,393, plus strand): 5'-GCCGAGCCTGGGAACATGTGGATGCGATTGCCCTCAGACTCAGCAGGCATCCCCCAGGCT[G>T]GCGGAGAGGCAGAGCCACACGCCACAGCAGCTGGAAAAACAGTAGCCAGCCCCTGCAGCT-3'
Protein context (NP_991331.1, residues 197-217): PSDSAGIPQA[Gly207Cys]GEAEPHATAA

ClinVar aggregate classification (germline): Uncertain significance (1 of 4 stars; one submission).

Submission:

Dasa
Classification: Uncertain significance. Last evaluated: 2024-12-27. Review status: criteria provided, single submitter. Criteria: DASA Assertion Criteria. Collection method: clinical testing. Allele origin: germline.
Comment: NM_205768.3(ZBTB18):c.619G>T (p.Gly207Cys) is a missense variant that results in the substitution of glycine with cysteine. This variant is absent from population databases. Computational prediction algorithms are consistent with a benign effect. The currently available literature and clinical evidence are not sufficient to establish a definitive association between this variant and the reported condition. Therefore, this variant is classified as a variant of uncertain significance.